The following is an entry in ClinVar:

NM_020163.3(SEMA3G):c.2239G>A (p.Gly747Ser)

Gene: SEMA3G (semaphorin 3G; minus strand). Cytogenetic location: 3p21.1.
Variant type: single nucleotide variant.
Coding change: c.2239G>A on transcript NM_020163.3 (MANE Select); coding-DNA position 2239, G replaced by A.
Protein change: p.Gly747Ser; replaces glycine 747 with serine.
Molecular consequence: missense variant.
Genome position (GRCh38, 1-based): chr3:52,435,713, C>T on the plus strand (G>A on the coding strand, the complement: SEMA3G is on the minus strand). VCF-style: chr3-52435713-C-T. GRCh37 (hg19) VCF-style: chr3-52469729-C-T.
Other names: short protein forms G747S.
Identifiers: ClinVar variation 4997601 (VCV004997601.1).

ClinVar aggregate classification (germline): Uncertain significance (1 of 4 stars; one submission).

Conditions:
SEMA3G-related disorder. Also called: SEMA3G-related condition.

Submission:

PreventionGenetics, part of Exact Sciences
Classification: Uncertain significance for SEMA3G-related condition. Last evaluated: 2026-01-07. Review status: criteria provided, single submitter. Criteria: ACMG Guidelines, 2015. Collection method: clinical testing. Allele origin: germline.
Comment: The SEMA3G c.2239G>A variant is predicted to result in the amino acid substitution p.Gly747Ser. To our knowledge, this variant has not been reported in the literature or in a large population database (gnomAD), indicating this variant is rare. At this time, the clinical significance of this variant is uncertain due to the absence of conclusive functional and genetic evidence.